The following is an entry in ClinVar:

ClinVar aggregate classification (germline): Likely benign. Review status: criteria provided, multiple submitters, no conflicts (2 of 4 stars). 3 submissions from 3 submitters: Likely benign (2). 1 of the submissions does not count toward it. Last evaluated 2025-10-26.

Conditions:
Fanconi anemia (FA). Also called: Fanconi's anemia. Identifiers: Orphanet 84, MedGen C0015625, MeSH D005199, MONDO:0019391.
FANCM-related disorder. Also called: FANCM-related condition.
Inborn genetic diseases. Identifiers: MedGen C0950123, MeSH D030342.

Allele frequency attached by ClinVar (database versions not stated): ESP Exome Variant Server 0.00008.
gnomAD v4.1: 3 of 1,613,158 alleles (0.00019%); highest among the groups gnomAD compares: African/African-American, 0.0027%; no homozygotes.

Submissions (3):

Labcorp Genetics (formerly Invitae), Labcorp
Classification: Likely benign for Fanconi anemia. Last evaluated: 2025-10-26. Review status: criteria provided, single submitter. Criteria: Invitae Variant Classification Sherloc (09022015). Collection method: clinical testing. Allele origin: germline.

Ambry Genetics
Classification: Likely benign for Inborn genetic diseases. Last evaluated: 2024-12-12. Review status: criteria provided, single submitter. Criteria: Ambry Variant Classification Scheme 2023. Collection method: clinical testing. Allele origin: germline.

PreventionGenetics, part of Exact Sciences
Classification: Likely benign for FANCM-related condition. Last evaluated: 2022-04-04. Review status: no assertion criteria provided. Collection method: clinical testing. Allele origin: germline. Not counted in ClinVar's aggregate classification.
Comment: This variant is classified as likely benign based on ACMG/AMP sequence variant interpretation guidelines (Richards et al. 2015 PMID: 25741868, with internal and published modifications).

NM_020937.4(FANCM):c.3141G>A (p.Gln1047=)

Gene: FANCM (FA complementation group M; plus strand). Cytogenetic location: 14q21.2.
Variant type: single nucleotide variant.
Coding change: c.3141G>A on transcript NM_020937.4 (MANE Select); coding-DNA position 3141, G replaced by A.
Protein change: p.Gln1047=; no amino-acid change (glutamine 1047 retained).
Molecular consequence: synonymous variant.
Genome position (GRCh38, 1-based): chr14:45,175,895, G>A. VCF-style: chr14-45175895-G-A. GRCh37 (hg19) VCF-style: chr14-45645098-G-A.
Other names: c.3063G>A, p.Gln1021= (NM_001308133.2).
Identifiers: ClinVar variation 3048880 (VCV003048880.5), dbSNP rs143989229, ClinGen allele CA259628113.